The following is an entry in ClinVar:

NM_000395.3(CSF2RB):c.1748A>T (p.Gln583Leu)

Gene: CSF2RB (colony stimulating factor 2 receptor subunit beta; plus strand). Cytogenetic location: 22q12.3.
Variant type: single nucleotide variant.
Coding change: c.1748A>T on transcript NM_000395.3 (MANE Select); coding-DNA position 1748, A replaced by T.
Protein change: p.Gln583Leu; replaces glutamine 583 with leucine.
Molecular consequence: missense variant.
Genome position (GRCh38, 1-based): chr22:36,937,556, A>T. VCF-style: chr22-36937556-A-T. GRCh37 (hg19) VCF-style: chr22-37333598-A-T.
Other names: c.1766A>T, p.Gln589Leu (NM_001410827.1); short protein forms Q583L, Q589L.
Identifiers: ClinVar variation 1987474 (VCV001987474.4), dbSNP rs1163095369, ClinGen allele CA411410099.
Genomic context (GRCh38, chr22:36,937,556, plus strand): 5'-CAGAGCAGCCCCCCAGCCCCCAGCCAGGCCCGCCTGCCGCCTCCCACACACCTGAGAAAC[A>T]GGCTTCCAGCTTTGACTTCAATGGGCCCTACCTGGGGCCGCCCCACAGCCGCTCCCTACC-3'
Protein context (NP_000386.1, residues 573-593): PPAASHTPEK[Gln583Leu]ASSFDFNGPY

ClinVar aggregate classification (germline): Uncertain significance (1 of 4 stars; one submission).

Allele frequency attached by ClinVar (database versions not stated): gnomAD exomes below 0.00001.

Submission:

Labcorp Genetics (formerly Invitae), Labcorp
Classification: Uncertain significance. Last evaluated: 2022-06-14. Review status: criteria provided, single submitter. Criteria: Invitae Variant Classification Sherloc (09022015). Collection method: clinical testing. Allele origin: germline.
Comment: This sequence change replaces glutamine, which is neutral and polar, with leucine, which is neutral and non-polar, at codon 583 of the CSF2RB protein (p.Gln583Leu). This variant is present in population databases (no rsID available, gnomAD 0.008%). This variant has not been reported in the literature in individuals affected with CSF2RB-related conditions. Algorithms developed to predict the effect of missense changes on protein structure and function output the following: SIFT: "Tolerated"; PolyPhen-2: "Benign"; Align-GVGD: "Class C0". The leucine amino acid residue is found in multiple mammalian species, which suggests that this missense change does not adversely affect protein function. In summary, the available evidence is currently insufficient to determine the role of this variant in disease. Therefore, it has been classified as a Variant of Uncertain Significance.